The following is an entry in ClinVar:

NM_001999.4(FBN2):c.6910G>A (p.Asp2304Asn)

Gene: FBN2 (fibrillin 2; minus strand). Cytogenetic location: 5q23.3.
Variant type: single nucleotide variant.
Coding change: c.6910G>A on transcript NM_001999.4 (MANE Select); coding-DNA position 6910, G replaced by A.
Protein change: p.Asp2304Asn; replaces aspartic acid 2304 with asparagine.
Molecular consequence: missense variant.
Genome position (GRCh38, 1-based): chr5:128,286,820, C>T on the plus strand (G>A on the coding strand, the complement: FBN2 is on the minus strand). VCF-style: chr5-128286820-C-T. GRCh37 (hg19) VCF-style: chr5-127622512-C-T.
Other names: short protein forms D2304N.
Identifiers: ClinVar variation 213352 (VCV000213352.47), dbSNP rs368802769, ClinGen allele CA324911.

ClinVar aggregate classification (germline): Conflicting classifications of pathogenicity. Review status: criteria provided, conflicting classifications (1 of 4 stars). 6 submissions from 6 submitters: Uncertain significance (3); Benign (1); Likely benign (2). Last evaluated 2025-07-18.

Conditions:
Congenital contractural arachnodactyly (CCA). Also called: BEALS SYNDROME; Beals-Hecht syndrome; Arthrogryposis, distal, type 9. Identifiers: Orphanet 115, MedGen C0220668, MONDO:0007363, OMIM 121050.
Familial thoracic aortic aneurysm and aortic dissection (TAAD). Also called: Thoracic aortic aneurysms and dissections. Identifiers: Orphanet 91387, MedGen C4707243, MONDO:0019625.

Allele frequency attached by ClinVar (database versions not stated): gnomAD 0.00002; gnomAD exomes 0.00004 and 0.00009; TOPMed 0.00004; ExAC 0.00007; ESP Exome Variant Server 0.00008.
gnomAD v4.1: 68 of 1,613,856 alleles (0.0042%); highest among the groups gnomAD compares: South Asian, 0.0055%; 1 homozygote.

Submissions (6):

Labcorp Genetics (formerly Invitae), Labcorp
Classification: Benign for Congenital contractural arachnodactyly. Last evaluated: 2025-07-18. Review status: criteria provided, single submitter. Criteria: Invitae Variant Classification Sherloc (09022015). Collection method: clinical testing. Allele origin: germline.

GeneDx
Classification: Uncertain significance. Last evaluated: 2025-04-01. Review status: criteria provided, single submitter. Criteria: GeneDx Variant Classification Process June 2021. Collection method: clinical testing. Allele origin: germline. Affected: yes.
Comment: In silico analysis supports that this missense variant has a deleterious effect on protein structure/function; Has not been previously published as pathogenic or benign to our knowledge; This variant is associated with the following publications: (PMID: 19006240, 18767143)

CeGaT Center for Human Genetics Tuebingen
Classification: Uncertain significance. Last evaluated: 2023-04-01. Review status: criteria provided, single submitter. Criteria: CeGaT Center For Human Genetics Tuebingen Variant Classification Criteria Version 2. Collection method: clinical testing. Allele origin: germline. Affected: yes. Observed: 1 variant allele.

Blueprint Genetics
Classification: Likely benign. Last evaluated: 2023-02-14. Review status: criteria provided, single submitter. Criteria: ACMG Guidelines, 2015. Collection method: clinical testing. Allele origin: germline.

Ambry Genetics
Classification: Likely benign for Familial thoracic aortic aneurysm and aortic dissection. Last evaluated: 2021-06-25. Review status: criteria provided, single submitter. Criteria: Ambry Variant Classification Scheme 2023. Collection method: clinical testing. Allele origin: germline.

Illumina Laboratory Services, Illumina
Classification: Uncertain significance for Congenital contractural arachnodactyly. Last evaluated: 2018-01-13. Review status: criteria provided, single submitter. Criteria: ICSL Variant Classification Criteria 13 December 2019. Collection method: clinical testing. Allele origin: germline.